The following is an entry in ClinVar:

NM_020461.4(TUBGCP6):c.1912_1914del (p.Lys638del)

Gene: TUBGCP6 (tubulin gamma complex component 6; minus strand). Cytogenetic location: 22q13.33.
Variant type: Deletion.
Coding change: c.1912_1914del on transcript NM_020461.4 (MANE Select); coding-DNA positions 1912 to 1914, 3 bases deleted (AAG; older notation c.1912_1914delAAG).
Protein change: p.Lys638del; deletes lysine 638.
Molecular consequence: inframe deletion.
Genome position (GRCh38, 1-based): chr22:50,225,863-50,225,865, CTT deleted on the plus strand (AAG on the coding strand, the reverse complement: TUBGCP6 is on the minus strand); deleting any 3 consecutive bases within chr22:50,225,863-50,225,867 gives the same sequence; the c. name uses the placement nearest the transcript's 3' end. VCF-style (leftmost placement, unchanged base first): chr22-50225862-CCTT-C. GRCh37 (hg19) VCF-style: chr22-50664291-CCTT-C.
Other names: short protein forms K638del.
Identifiers: ClinVar variation 1367853 (VCV001367853.6), dbSNP rs2064599357, ClinGen allele CA2410733380.

ClinVar aggregate classification (germline): Uncertain significance (1 of 4 stars; one submission).

Submission:

Labcorp Genetics (formerly Invitae), Labcorp
Classification: Uncertain significance. Last evaluated: 2022-08-10. Review status: criteria provided, single submitter. Criteria: Invitae Variant Classification Sherloc (09022015). Collection method: clinical testing. Allele origin: germline.
Comment: In summary, the available evidence is currently insufficient to determine the role of this variant in disease. Therefore, it has been classified as a Variant of Uncertain Significance. Experimental studies and prediction algorithms are not available or were not evaluated, and the functional significance of this variant is currently unknown. ClinVar contains an entry for this variant (Variation ID: 1367853). This variant has not been reported in the literature in individuals affected with TUBGCP6-related conditions. This variant is not present in population databases (gnomAD no frequency). This variant, c.1912_1914del, results in the deletion of 1 amino acid(s) of the TUBGCP6 protein (p.Lys638del), but otherwise preserves the integrity of the reading frame.